The following is an entry in ClinVar:

NM_015268.4(DNAJC13):c.5646G>C (p.Met1882Ile)

Gene: DNAJC13 (DnaJ heat shock protein family (Hsp40) member C13; plus strand). Cytogenetic location: 3q22.1.
Variant type: single nucleotide variant.
Coding change: c.5646G>C on transcript NM_015268.4 (MANE Select); coding-DNA position 5646, G replaced by C.
Protein change: p.Met1882Ile; replaces methionine 1882 with isoleucine.
Molecular consequence: missense variant.
Genome position (GRCh38, 1-based): chr3:132,516,789, G>C. VCF-style: chr3-132516789-G-C. GRCh37 (hg19) VCF-style: chr3-132235633-G-C.
Other names: p.Met1882Ile; c.5661G>C, p.Met1887Ile (NM_001329126.2); short protein forms M1882I, M1887I.
Identifiers: ClinVar variation 3043678 (VCV003043678.3), dbSNP rs553930800, ClinGen allele CA2619907.
Genomic context (GRCh38, chr3:132,516,789, plus strand): 5'-GTTCTGCAATTCAACACATCCACAGGTTCGAGCCCAAACAGCAGAACTTTTTGCCAAAAT[G>C]ACAGCAGATAAACTGATAGGTCCAAAGGTAGGCACAAAATAAGTTCTTGAAAGGAAATTA-3'
Protein context (NP_056083.3, residues 1872-1892): RAQTAELFAK[Met1882Ile]TADKLIGPKV

ClinVar aggregate classification (germline): Likely benign. Review status: criteria provided, single submitter (1 of 4 stars). 2 submissions from 2 submitters: Likely benign (1). 1 of the submissions does not count toward it. Last evaluated 2025-10-14.

Conditions:
DNAJC13-related disorder. Also called: DNAJC13-related condition.

Allele frequency attached by ClinVar (database versions not stated): gnomAD 0.00027; 1000 Genomes Project 0.00280; 1000 Genomes Project 30x 0.00265; ExAC 0.00096; TOPMed 0.00006; gnomAD exomes 0.00039.

Submissions (2):

Mayo Clinic Laboratories, Mayo Clinic
Classification: Likely benign. Last evaluated: 2025-10-14. Review status: criteria provided, single submitter. Criteria: ACMG Guidelines, 2015. Collection method: clinical testing. Allele origin: germline. Observed: 1 variant allele.
Comment: BS1

PreventionGenetics, part of Exact Sciences
Classification: Likely benign for DNAJC13-related condition. Last evaluated: 2019-06-07. Review status: no assertion criteria provided. Collection method: clinical testing. Allele origin: germline. Not counted in ClinVar's aggregate classification.
Comment: This variant is classified as likely benign based on ACMG/AMP sequence variant interpretation guidelines (Richards et al. 2015 PMID: 25741868, with internal and published modifications).

Literature cited by the submitters: PubMed 36879366 (cited by Mayo Clinic Laboratories, Mayo Clinic).